The following is an entry in ClinVar:

NM_138694.4(PKHD1):c.7486+1G>A

Gene: PKHD1 (PKHD1 ciliary IPT domain containing fibrocystin/polyductin; minus strand). Cytogenetic location: 6p12.2.
Variant type: single nucleotide variant.
Coding change: c.7486+1G>A on transcript NM_138694.4 (MANE Select); the canonical splice donor site of the intron after coding-DNA position 7486, G replaced by A.
Molecular consequence: splice donor variant.
Genome position (GRCh38, 1-based): chr6:51,870,503, C>T on the plus strand (G>A on the coding strand, the complement: PKHD1 is on the minus strand). VCF-style: chr6-51870503-C-T. GRCh37 (hg19) VCF-style: chr6-51735301-C-T.
Other names: c.7486+1G>A (NM_170724.3).
Identifiers: ClinVar variation 4816745 (VCV004816745.2).

ClinVar aggregate classification (germline): Likely pathogenic. Review status: criteria provided, multiple submitters, no conflicts (2 of 4 stars). 2 submissions from 2 submitters: Likely pathogenic (2). Last evaluated 2024-10-06.

Conditions:
PKHD1-related disorder. Also called: PKHD1-related condition.
Autosomal recessive polycystic kidney disease (ARPKD). Also called: AR polycystic kidney disease. Identifiers: Orphanet 731, Orphanet 8378, MedGen C0085548, MeSH D017044, MONDO:0009889.

Submissions (2):

Natera, Inc.
Classification: Likely pathogenic for Autosomal recessive polycystic kidney disease. Last evaluated: 2024-10-06. Review status: criteria provided, single submitter. Criteria: Natera Variant Classification Schema (03/2026). Collection method: clinical testing. Allele origin: germline.
Comment: The c.7486+1G>A variant in PKHD1 is a canonical splice donor site variant predicted to affect pre-mRNA splicing, which may result in an abnormal transcript and altered protein product. This variant is expected to result in nonsense mediated decay, truncation, or a dysfunctional protein product. This variant is rare in the general population with a frequency below the threshold expected for the associated phenotype(s). Given the available evidence, this variant is classified as Likely Pathogenic.

Blueprint Genetics
Classification: Likely pathogenic for PKHD1-related disorders. Last evaluated: 2023-02-13. Review status: criteria provided, single submitter. Criteria: ACMG Guidelines, 2015. Collection method: clinical testing. Allele origin: germline. Affected: yes. Observed: 2 variant alleles.